The following is an entry in ClinVar:

NM_000256.3(MYBPC3):c.1897+1G>A

Gene: MYBPC3 (myosin binding protein C3; minus strand). Cytogenetic location: 11p11.2.
Variant type: single nucleotide variant.
Coding change: c.1897+1G>A on transcript NM_000256.3 (MANE Select); the canonical splice donor site of the intron after coding-DNA position 1897, G replaced by A.
Molecular consequence: splice donor variant.
Genome position (GRCh38, 1-based): chr11:47,341,137, C>T on the plus strand (G>A on the coding strand, the complement: MYBPC3 is on the minus strand). VCF-style: chr11-47341137-C-T. GRCh37 (hg19) VCF-style: chr11-47362688-C-T.
Identifiers: ClinVar variation 42582 (VCV000042582.19), dbSNP rs397515935, ClinGen allele CA011421.

ClinVar aggregate classification (germline): Pathogenic/Likely pathogenic. Review status: criteria provided, multiple submitters, no conflicts (2 of 4 stars). 7 submissions from 7 submitters: Pathogenic (5); Likely pathogenic (2). Last evaluated 2025-12-21.

Conditions:
MYBPC3-related disorder. Also called: MYBPC3-related disorders; MYBPC3-related condition; MYBPC3-related disease.
Cardiovascular phenotype. Identifiers: MedGen CN230736.
Cardiomyopathy (CMYO). Also called: Cardiomyopathies. Identifiers: Orphanet 167848, MedGen C0878544, MONDO:0004994, HP:0001638. Inheritance: Various modes of inheritance.
Hypertrophic cardiomyopathy. Also called: HYPERTROPHIC MYOCARDIOPATHY. Identifiers: Orphanet 217569, MedGen C0007194, MeSH D002312, MONDO:0005045, HP:0001639.

Allele frequency attached by ClinVar (database versions not stated): TOPMed below 0.00001.

Submissions (7):

Labcorp Genetics (formerly Invitae), Labcorp
Classification: Pathogenic for Hypertrophic cardiomyopathy. Last evaluated: 2025-12-21. Review status: criteria provided, single submitter. Criteria: Invitae Variant Classification Sherloc (09022015). Collection method: clinical testing. Allele origin: germline.
Comment: This sequence change affects a donor splice site in intron 19 of the MYBPC3 gene. It is expected to disrupt RNA splicing. Variants that disrupt the donor or acceptor splice site typically lead to a loss of protein function (PMID: 16199547), and loss-of-function variants in MYBPC3 are known to be pathogenic (PMID: 19574547). This variant is not present in population databases (gnomAD no frequency). Disruption of this splice site has been observed in individuals with hypertrophic cardiomyopathy (PMID: 25611685, 27532257). ClinVar contains an entry for this variant (Variation ID: 42582). Algorithms developed to predict the effect of sequence changes on RNA splicing suggest that this variant may disrupt the consensus splice site. For these reasons, this variant has been classified as Pathogenic.

Color Diagnostics, LLC DBA Color Health
Classification: Likely pathogenic for Cardiomyopathy. Last evaluated: 2025-06-09. Review status: criteria provided, single submitter. Criteria: ACMG Guidelines, 2015. Collection method: clinical testing. Allele origin: germline.
Comment: This variant causes a G>A nucleotide substitution at the +1 position of intron 19 of the MYBPC3 gene. Splice site prediction tools suggest that this variant may have a significant impact on RNA splicing. Although this prediction has not been confirmed in published RNA studies, this variant is expected to result in an absent or disrupted protein product. This variant has been reported in individuals affected with hypertrophic cardiomyopathy (PMID: 25611685, 27532257, 33673806, 33495596, 38757491). This variant has not been identified in the general population by the Genome Aggregation Database (gnomAD). Loss of MYBPC3 function is a known mechanism of disease. Based on the available evidence, this variant is classified as Likely Pathogenic.

Molecular Diagnostic Laboratory for Inherited Cardiovascular Disease, Montreal Heart Institute
Classification: Pathogenic for Cardiovascular phenotype. Last evaluated: 2025-02-24. Review status: criteria provided, single submitter. Criteria: ACMG Guidelines, 2015. Collection method: clinical testing. Allele origin: germline. Affected: yes.

Blueprint Genetics
Classification: Pathogenic for MYBPC3-related disorders. Last evaluated: 2024-09-25. Review status: criteria provided, single submitter. Criteria: ACMG Guidelines, 2015. Collection method: clinical testing. Allele origin: germline. Affected: yes. Observed: 5 variant alleles.

Ambry Genetics
Classification: Likely pathogenic for Cardiovascular phenotype. Last evaluated: 2024-07-12. Review status: criteria provided, single submitter. Criteria: Ambry Variant Classification Scheme 2023. Collection method: clinical testing. Allele origin: germline.
Comment: The c.1897+1G>A intronic variant results from a G to A substitution one nucleotide after coding exon 19 of the MYBPC3 gene. This variant has been reported in association with hypertrophic cardiomyopathy (HCM) (Alfares AA et al. Genet Med, 2015 Nov;17:880-8; Walsh R et al. Genet Med, 2017 Feb;19:192-203; Ware SM et al. J Am Heart Assoc, 2021 May;10:e017731; Hathaway J et al. BMC Cardiovasc Disord, 2021 Mar;21:126). This variant is considered to be rare based on population cohorts in the Genome Aggregation Database (gnomAD). This nucleotide position is highly conserved in available vertebrate species. In silico splice site analysis predicts that this alteration will weaken the native splice donor site and will result in the creation or strengthening of a novel splice donor site. In addition to the clinical data presented in the literature, alterations that disrupt the canonical splice site are expected to cause aberrant splicing, resulting in an abnormal protein or a transcript that is subject to nonsense-mediated mRNA decay. As such, this alteration is classified as likely pathogenic.

GeneDx
Classification: Pathogenic. Last evaluated: 2021-04-28. Review status: criteria provided, single submitter. Criteria: GeneDx Variant Classification Process June 2021. Collection method: clinical testing. Allele origin: germline. Affected: yes.
Comment: Identified in multiple individuals with HCM referred for genetic testing at GeneDx and in published literature (Alfares et al., 2015; Walsh et al., 2017); Reported in ClinVar as a pathogenic variant (ClinVar Variant ID#42582; Landrum et al., 2016); Not observed in large population cohorts (Lek et al., 2016); Canonical splice site variant predicted to result in a null allele in a gene for which loss-of-function is a known mechanism of disease; This variant is associated with the following publications: (PMID: 25611685, 27532257, 33673806)

Laboratory for Molecular Medicine, Mass General Brigham Personalized Medicine
Classification: Pathogenic for Hypertrophic cardiomyopathy. Last evaluated: 2017-11-06. Review status: criteria provided, single submitter. Criteria: LMM Criteria. Collection method: clinical testing. Allele origin: germline. Inheritance: Autosomal dominant inheritance. Observed: 6 variant alleles.
Comment: The c.1897+1G>A variant in MYBPC3 has been identified by our laboratory in 3 ind ividuals with HCM and segregated with disease in 1 affected relative. It was abs ent from large population studies. This variant has been reported in ClinVar (Va riation ID:42582). This variant occurs in the invariant region (+/- 1,2) of the splice consensus sequence and is predicted to cause altered splicing leading to an abnormal or absent protein. Splice site and other MYBPC3 variants resulting i n a heterozygous loss of function are strongly associated with HCM. In summary, this variant meets criteria to be classified as pathogenic for HCM in an autosom al dominant manner based upon its predicted loss of function impact, identificat ion in affected individuals, segregation with disease, and absence from controls . ACMG/AMP Criteria applied: PVS1; PM2; PS4_Supporting (Richards 2015).

Literature cited by the submitters: PubMed 16199547 (cited by Labcorp Genetics (formerly Invitae), Labcorp); PubMed 19574547 (cited by Labcorp Genetics (formerly Invitae), Labcorp); PubMed 25611685 (cited by 4 submitters); PubMed 27532257 (cited by 4 submitters); PubMed 33495596 (cited by Color Diagnostics, LLC DBA Color Health); PubMed 33673806 (cited by Color Diagnostics, LLC DBA Color Health and Ambry Genetics); PubMed 38757491 (cited by Color Diagnostics, LLC DBA Color Health); PubMed 33906374 (cited by Ambry Genetics).